The following is an entry in ClinVar:

ClinVar aggregate classification (germline): Uncertain significance (1 of 4 stars; one submission).

Submission:

Labcorp Genetics (formerly Invitae), Labcorp
Classification: Uncertain significance. Last evaluated: 2021-10-15. Review status: criteria provided, single submitter. Criteria: Invitae Variant Classification Sherloc (09022015). Collection method: clinical testing. Allele origin: germline.
Comment: This sequence change replaces alanine with valine at codon 128 of the CHM protein (p.Ala128Val). The alanine residue is weakly conserved and there is a small physicochemical difference between alanine and valine. This variant is not present in population databases (ExAC no frequency). This variant has not been reported in the literature in individuals affected with CHM-related conditions. Algorithms developed to predict the effect of missense changes on protein structure and function output the following: SIFT: "Tolerated"; PolyPhen-2: "Benign"; Align-GVGD: "Class C0". The valine amino acid residue is found in multiple mammalian species, which suggests that this missense change does not adversely affect protein function. In summary, the available evidence is currently insufficient to determine the role of this variant in disease. Therefore, it has been classified as a Variant of Uncertain Significance.

NM_000390.4(CHM):c.383C>T (p.Ala128Val)

Genes: CHM (CHM Rab escort protein; minus strand), LOC129391306 (MPRA-validated peak7401 silencer; plus strand). Cytogenetic location: Xq21.2.
Variant type: single nucleotide variant.
Coding change: c.383C>T on transcript NM_000390.4 (MANE Select); coding-DNA position 383, C replaced by T.
Protein change: p.Ala128Val; replaces alanine 128 with valine.
Molecular consequence: missense variant. On other transcripts: 5 prime UTR variant (4).
Genome position (GRCh38, 1-based): chrX:85,963,984, G>A on the plus strand (C>T on the coding strand, the complement: CHM is on the minus strand). VCF-style: chrX-85963984-G-A. GRCh37 (hg19) VCF-style: chrX-85218989-G-A.
Other names: c.-62C>T (NM_001320959.1, NM_001362517.1, NM_001362518.2 and 1 more transcripts); short protein forms A128V.
Identifiers: ClinVar variation 1387332 (VCV001387332.3), dbSNP rs2147676316, ClinGen allele CA413787305.